The following is an entry in ClinVar:

Conditions:
Arteriohepatic dysplasia. Also called: Alagille Syndrome. Identifiers: Orphanet 52, MedGen C0085280, MeSH D016738, MONDO:0007318.

Submission:

Gilbert/Spinner Lab, Children's Hospital of Philadelphia
No classification provided (evidence only). Condition: Alagille syndrome. Review status: no classification provided. Collection method: research. Allele origin: not applicable. Functional consequence: functionally_abnormal.
ClinVar note: "not provided" was previously submitted as the classification for the variant. However, the classification appeared to be based only on an observation of functional data so it was converted to no classification on 2025-07-30.

NM_000214.3(JAG1):c.401T>G (p.Leu134Trp)

Gene: JAG1 (jagged canonical Notch ligand 1; minus strand). Cytogenetic location: 20p12.2.
Variant type: single nucleotide variant.
Coding change: c.401T>G on transcript NM_000214.3 (MANE Select); coding-DNA position 401, T replaced by G.
Protein change: p.Leu134Trp; replaces leucine 134 with tryptophan.
Molecular consequence: missense variant.
Genome position (GRCh38, 1-based): chr20:10,664,001, A>C on the plus strand (T>G on the coding strand, the complement: JAG1 is on the minus strand). VCF-style: chr20-10664001-A-C. GRCh37 (hg19) VCF-style: chr20-10644649-A-C.
Other names: short protein forms L134W.
Identifiers: ClinVar variation 3573457 (VCV003573457.2).